The following is an entry in ClinVar:

NM_005343.4(HRAS):c.4A>G (p.Thr2Ala)

Genes: HRAS (HRas proto-oncogene, GTPase; minus strand), LRRC56 (leucine rich repeat containing 56; plus strand). Cytogenetic location: 11p15.5.
Variant type: single nucleotide variant.
Coding change: c.4A>G on transcript NM_005343.4 (MANE Select); coding-DNA position 4, A replaced by G.
Protein change: p.Thr2Ala; replaces threonine 2 with alanine.
Molecular consequence: missense variant. On other transcripts: 5 prime UTR variant (1).
Genome position (GRCh38, 1-based): chr11:534,319, T>C on the plus strand (A>G on the coding strand, the complement: HRAS is on the minus strand). VCF-style: chr11-534319-T-C. GRCh37 (hg19) VCF-style: chr11-534319-T-C.
Other names: c.4A>G, p.Thr2Ala (NM_001130442.3, NM_176795.5); c.-316A>G (NM_001318054.2); short protein forms T2A.
Identifiers: ClinVar variation 240137 (VCV000240137.9), dbSNP rs878854761, ClinGen allele CA10582926.
Genomic context (GRCh38, chr11:534,319, plus strand): 5'-GGATGGTCAGCGCACTCTTGCCCACACCGCCGGCGCCCACCACCACCAGCTTATATTCCG[T>C]CATCGCTCCTCAGGGGCCTGCGGCCCGGGGTCCTCCTACAGGGTCTCCTGCCCCACCTGC-3'
Protein context (NP_005334.1, residues 1-12): M[Thr2Ala]EYKLVVVGAG

ClinVar aggregate classification (germline): Uncertain significance (1 of 4 stars; one submission).

Conditions:
Costello syndrome (CSTLO). Also called: HRAS-Related Costello Syndrome; FACIOCUTANEOSKELETAL SYNDROME; FCS SYNDROME. Identifiers: Orphanet 3071, MedGen C0587248, MONDO:0009026, OMIM 218040.

Submission:

Labcorp Genetics (formerly Invitae), Labcorp
Classification: Uncertain significance for Costello syndrome. Last evaluated: 2021-04-07. Review status: criteria provided, single submitter. Criteria: Invitae Variant Classification Sherloc (09022015). Collection method: clinical testing. Allele origin: germline.
Comment: In summary, the available evidence is currently insufficient to determine the role of this variant in disease. Therefore, it has been classified as a Variant of Uncertain Significance. Advanced modeling of protein sequence and biophysical properties (such as structural, functional, and spatial information, amino acid conservation, physicochemical variation, residue mobility, and thermodynamic stability) performed at Invitae indicates that this missense variant is not expected to disrupt HRAS protein function. This variant has not been reported in the literature in individuals with HRAS-related conditions. ClinVar contains an entry for this variant (Variation ID: 240137). This variant is not present in population databases (ExAC no frequency). This sequence change replaces threonine with alanine at codon 2 of the HRAS protein (p.Thr2Ala). The threonine residue is highly conserved and there is a small physicochemical difference between threonine and alanine.